The following is an entry in ClinVar:

ClinVar aggregate classification (germline): Uncertain significance (1 of 4 stars; one submission).

Conditions:
Hereditary cancer-predisposing syndrome. Also called: Neoplastic Syndromes, Hereditary; Tumor predisposition; Hereditary Cancer Syndrome; Hereditary neoplastic syndrome. Identifiers: Orphanet 140162, MedGen C0027672, MeSH D009386, MONDO:0015356.

Submission:

Ambry Genetics
Classification: Uncertain significance for Hereditary cancer-predisposing syndrome. Last evaluated: 2025-10-29. Review status: criteria provided, single submitter. Criteria: Ambry Variant Classification Scheme 2023. Collection method: clinical testing. Allele origin: germline.
Comment: The c.1027+5_1027+6delCCinsTT intronic variant, located in intron 6 of the MSH3 gene, results from an in-frame deletion of two nucleotides (CC) and the insertion of two nucleotides (TT) at nucleotide positions 1027+5 and 1027+6. These nucleotide positions are highly conserved in available vertebrate species. In silico splice site analysis predicts that this alteration will weaken the native splice donor site. Based on the available evidence, the clinical significance of this variant remains unclear.

NM_002439.5(MSH3):c.1027+5_1027+6delinsTT

Genes: MSH3 (mutS homolog 3; plus strand), LOC126807437 (MED14-independent group 3 enhancer GRCh37_chr5:79968379-79969578; plus strand). Cytogenetic location: 5q14.1.
Variant type: Indel.
Coding change: c.1027+5_1027+6delinsTT on transcript NM_002439.5 (MANE Select); bases 5 to 6 of the intron after coding-DNA position 1027, CC replaced by TT.
Molecular consequence: intron variant.
Genome position (GRCh38, 1-based): chr5:80,672,863-80,672,864, CC replaced by TT. VCF-style: chr5-80672863-CC-TT. GRCh37 (hg19) VCF-style: chr5-79968682-CC-TT.
Identifiers: ClinVar variation 4654639 (VCV004654639.1).